The following is an entry in ClinVar:

NM_001204.7(BMPR2):c.1681A>G (p.Ser561Gly)

Gene: BMPR2 (bone morphogenetic protein receptor type 2; plus strand). Cytogenetic location: 2q33.2.
Variant type: single nucleotide variant.
Coding change: c.1681A>G on transcript NM_001204.7 (MANE Select); coding-DNA position 1681, A replaced by G.
Protein change: p.Ser561Gly; replaces serine 561 with glycine.
Molecular consequence: missense variant.
Genome position (GRCh38, 1-based): chr2:202,555,346, A>G. VCF-style: chr2-202555346-A-G. GRCh37 (hg19) VCF-style: chr2-203420069-A-G.
Other names: short protein forms S561G.
Identifiers: ClinVar variation 4214483 (VCV004214483.1).

ClinVar aggregate classification (germline): Uncertain significance (1 of 4 stars; one submission).

Conditions:
Inborn genetic diseases. Identifiers: MedGen C0950123, MeSH D030342.

gnomAD v4.1: 1 of 1,614,172 alleles (0.000062%); highest among the groups gnomAD compares: Non-Finnish European, 0.000085%; no homozygotes.

Submission:

Ambry Genetics
Classification: Uncertain significance for Inborn genetic diseases. Last evaluated: 2025-08-05. Review status: criteria provided, single submitter. Criteria: Ambry Variant Classification Scheme 2023. Collection method: clinical testing. Allele origin: germline.
Comment: The p.S561G variant (also known as c.1681A>G), located in coding exon 12 of the BMPR2 gene, results from an A to G substitution at nucleotide position 1681. The serine at codon 561 is replaced by glycine, an amino acid with similar properties. This amino acid position is conserved. In addition, this alteration is predicted to be tolerated by in silico analysis. Based on the available evidence, the clinical significance of this variant remains unclear.